The following is an entry in ClinVar:

NM_001184880.2(PCDH19):c.368A>G (p.Asn123Ser)

Gene: PCDH19 (protocadherin 19; minus strand). Cytogenetic location: Xq22.1.
Variant type: single nucleotide variant.
Coding change: c.368A>G on transcript NM_001184880.2 (MANE Select); coding-DNA position 368, A replaced by G.
Protein change: p.Asn123Ser; replaces asparagine 123 with serine.
Molecular consequence: missense variant.
Genome position (GRCh38, 1-based): chrX:100,408,230, T>C on the plus strand (A>G on the coding strand, the complement: PCDH19 is on the minus strand). VCF-style: chrX-100408230-T-C. GRCh37 (hg19) VCF-style: chrX-99663228-T-C.
Other names: c.368A>G, p.Asn123Ser (NM_001105243.2, NM_020766.3); short protein forms N123S.
Identifiers: ClinVar variation 4802174 (VCV004802174.1).

ClinVar aggregate classification (germline): Likely pathogenic (1 of 4 stars; one submission).

Conditions:
Developmental and epileptic encephalopathy, 9 (DEE9). Also called: Early infantile epileptic encephalopathy 9; EPILEPSY, FEMALE-RESTRICTED, WITH MENTAL RETARDATION; JUBERG-HELLMAN SYNDROME; PCDH19-Related X-Linked Female-Limited Epilepsy with Mental Retardation. Identifiers: Orphanet 101039, Orphanet 2076, MedGen C1848137, MONDO:0010246, OMIM 300088. Disease mechanism: loss of function.

Submission:

Labcorp Genetics (formerly Invitae), Labcorp
Classification: Likely pathogenic for Developmental and epileptic encephalopathy, 9. Last evaluated: 2026-01-21. Review status: criteria provided, single submitter. Criteria: Invitae Variant Classification Sherloc (09022015). Collection method: clinical testing. Allele origin: germline.
Comment: This sequence change replaces asparagine, which is neutral and polar, with serine, which is neutral and polar, at codon 123 of the PCDH19 protein (p.Asn123Ser). This variant is not present in population databases (gnomAD no frequency). This variant has not been reported in the literature in individuals affected with PCDH19-related conditions. Invitae Evidence Modeling of protein sequence and biophysical properties (such as structural, functional, and spatial information, amino acid conservation, physicochemical variation, residue mobility, and thermodynamic stability) indicates that this missense variant is expected to disrupt PCDH19 protein function with a positive predictive value of 95%. This variant disrupts the p.Asn123 amino acid residue in PCDH19. Other variant(s) that disrupt this residue have been determined to be pathogenic (internal data). This suggests that this residue is clinically significant, and that variants that disrupt this residue are likely to be disease-causing. In summary, the currently available evidence indicates that the variant is pathogenic, but additional data are needed to prove that conclusively. Therefore, this variant has been classified as Likely Pathogenic.